The following is an entry in ClinVar:

NM_015338.6(ASXL1):c.3214G>A (p.Val1072Ile)

Gene: ASXL1 (ASXL transcriptional regulator 1; plus strand). Cytogenetic location: 20q11.21.
Variant type: single nucleotide variant.
Coding change: c.3214G>A on transcript NM_015338.6 (MANE Select); coding-DNA position 3214, G replaced by A.
Protein change: p.Val1072Ile; replaces valine 1072 with isoleucine.
Molecular consequence: missense variant.
Genome position (GRCh38, 1-based): chr20:32,435,926, G>A. VCF-style: chr20-32435926-G-A. GRCh37 (hg19) VCF-style: chr20-31023729-G-A.
Other names: c.3031G>A, p.Val1011Ile (NM_001363734.1); short protein forms V1011I, V1072I.
Identifiers: ClinVar variation 3794324 (VCV003794324.1).

ClinVar aggregate classification (germline): Uncertain significance (1 of 4 stars; one submission).

Conditions:
Inborn genetic diseases. Identifiers: MedGen C0950123, MeSH D030342.

gnomAD v4.1: 1 of 1,614,176 alleles (0.000062%); highest among the groups gnomAD compares: South Asian, 0.0011%; no homozygotes.

Submission:

Ambry Genetics
Classification: Uncertain significance for Inborn genetic diseases. Last evaluated: 2025-03-11. Review status: criteria provided, single submitter. Criteria: Ambry Variant Classification Scheme 2023. Collection method: clinical testing. Allele origin: germline.
Comment: The p.V1072I variant (also known as c.3214G>A), located in coding exon 13 of the ASXL1 gene, results from a G to A substitution at nucleotide position 3214. The valine at codon 1072 is replaced by isoleucine, an amino acid with highly similar properties. This amino acid position is conserved. In addition, this alteration is predicted to be tolerated by in silico analysis. Based on the available evidence, the clinical significance of this variant remains unclear.